The following is an entry in ClinVar:

ClinVar aggregate classification (germline): Conflicting classifications of pathogenicity. Review status: criteria provided, conflicting classifications (1 of 4 stars). 5 submissions from 5 submitters: Uncertain significance (4); Likely benign (1). Last evaluated 2024-11-24.

Conditions:
Hereditary cancer-predisposing syndrome. Also called: Neoplastic Syndromes, Hereditary; Tumor predisposition; Hereditary Cancer Syndrome; Hereditary neoplastic syndrome. Identifiers: Orphanet 140162, MedGen C0027672, MeSH D009386, MONDO:0015356.
Ataxia-telangiectasia syndrome (AT). Also called: Ataxia telangiectasia (A-T); ATAXIA-TELANGIECTASIA, COMPLEMENTATION GROUP A; ATAXIA-TELANGIECTASIA, FRESNO VARIANT; Ataxia-telangiectasia; Ataxia-telangiectasia, complementation group E; LOUIS-BAR SYNDROME. Identifiers: Orphanet 100, MedGen C0004135, MONDO:0008840, OMIM 208900.

Submissions (5):

Labcorp Genetics (formerly Invitae), Labcorp
Classification: Uncertain significance for Ataxia-telangiectasia syndrome. Last evaluated: 2024-11-24. Review status: criteria provided, single submitter. Criteria: Invitae Variant Classification Sherloc (09022015). Collection method: clinical testing. Allele origin: germline.
Comment: This sequence change falls in intron 61 of the ATM gene. It does not directly change the encoded amino acid sequence of the ATM protein. It affects a nucleotide within the consensus splice site. This variant is present in population databases (no rsID available, gnomAD 0.003%). This variant has been observed in individual(s) with breast cancer (PMID: 32658311). ClinVar contains an entry for this variant (Variation ID: 1171683). Variants that disrupt the consensus splice site are a relatively common cause of aberrant splicing (PMID: 17576681, 9536098). Algorithms developed to predict the effect of sequence changes on RNA splicing suggest that this variant may disrupt the consensus splice site. In summary, the available evidence is currently insufficient to determine the role of this variant in disease. Therefore, it has been classified as a Variant of Uncertain Significance.

Women's Health and Genetics/Laboratory Corporation of America, LabCorp
Classification: Uncertain significance. Last evaluated: 2023-02-13. Review status: criteria provided, single submitter. Criteria: LabCorp Variant Classification Summary - May 2015. Collection method: clinical testing. Allele origin: germline.
Comment: Variant summary: ATM c.8850+5dupA alters a nucleotide located close to a canonical splice site and therefore could affect mRNA splicing, leading to a significantly altered protein sequence. At least one in-silico tool (TraP, Transcript-inferred Pathogenicity, Gelfman_2017) predicts this intron variant to be benign. The variant allele was found at a frequency of 1.2e-05 in 252216 control chromosomes (gnomAD and publication data). The available data on variant occurrences in the general population are insufficient to allow any conclusion about variant significance. c.8850+5dupA has been reported in the literature in at least one individual affected with Breast Cancer (Akcay_2021). The report does not provide unequivocal conclusions about association of the variant with Breast Cancer. To our knowledge, no experimental evidence demonstrating an impact on protein function has been reported. Three ClinVar submitters (evaluation after 2014) cite this variant as uncertain significance (n=2) and likely benign (n=1). Based on the evidence outlined above, the variant was classified as uncertain significance.

Color Diagnostics, LLC DBA Color Health
Classification: Uncertain significance for Hereditary cancer-predisposing syndrome. Last evaluated: 2023-02-06. Review status: criteria provided, single submitter. Criteria: ACMG Guidelines, 2015. Collection method: clinical testing. Allele origin: germline.
Comment: This variant inserts one nucleotide at the +5 position of intron 61 of the ATM gene. To our knowledge, functional studies have not been reported for this variant. This variant has not been reported in individuals affected with hereditary cancer in the literature. This variant has been identified in 3/251236 chromosomes in the general population by the Genome Aggregation Database (gnomAD). The available evidence is insufficient to determine the role of this variant in disease conclusively. Therefore, this variant is classified as a Variant of Uncertain Significance.

Department of Pathology and Laboratory Medicine, Sinai Health System
Classification: Uncertain significance for Ataxia-telangiectasia syndrome. Last evaluated: 2023-01-11. Review status: criteria provided, single submitter. Criteria: ACMG Guidelines, 2015. Collection method: research. Allele origin: germline.

Ambry Genetics
Classification: Likely benign for Hereditary cancer-predisposing syndrome. Last evaluated: 2022-03-09. Review status: criteria provided, single submitter. Criteria: Ambry Variant Classification Scheme 2023. Collection method: clinical testing. Allele origin: germline.

Literature cited by the submitters: PubMed 32658311 (cited by Labcorp Genetics (formerly Invitae), Labcorp and Women's Health and Genetics/Laboratory Corporation of America, LabCorp); PubMed 17576681 (cited by Labcorp Genetics (formerly Invitae), Labcorp); PubMed 9536098 (cited by Labcorp Genetics (formerly Invitae), Labcorp).

NM_000051.4(ATM):c.8850+5dup

Genes: ATM (ATM serine/threonine kinase; plus strand), C11orf65 (chromosome 11 open reading frame 65; minus strand). Cytogenetic location: 11q22.3.
Variant type: Duplication.
Coding change: c.8850+5dup on transcript NM_000051.4 (MANE Select); 5 bases into the intron after coding-DNA position 8850, one base duplicated (A; older notation c.8850+5dupA).
Molecular consequence: intron variant.
Genome position (GRCh38, 1-based): chr11:108,354,879, A duplicated; the last of 3 consecutive A bases (chr11:108,354,877-108,354,879); duplicating any one gives the same sequence. VCF-style (leftmost placement, unchanged base first): chr11-108354876-T-TA. GRCh37 (hg19) VCF-style: chr11-108225603-T-TA.
Other names: c.8850+5dup (NM_001351834.2); c.640+31043dup (NM_001330368.2); c.695-19585dup (NM_001351110.2); c.8850+5dupA (NM_000051.3).
Identifiers: ClinVar variation 1171683 (VCV001171683.15), dbSNP rs1400626849, ClinGen allele CA601699233.